The following is an entry in ClinVar:

ClinVar aggregate classification (germline): Uncertain significance (1 of 4 stars; one submission).

Submission:

Labcorp Genetics (formerly Invitae), Labcorp
Classification: Uncertain significance. Last evaluated: 2025-09-08. Review status: criteria provided, single submitter. Criteria: Invitae Variant Classification Sherloc (09022015). Collection method: clinical testing. Allele origin: germline.
Comment: This sequence change replaces alanine, which is neutral and non-polar, with valine, which is neutral and non-polar, at codon 1840 of the MCM3AP protein (p.Ala1840Val). This variant is not present in population databases (gnomAD no frequency). This variant has not been reported in the literature in individuals affected with MCM3AP-related conditions. ClinVar contains an entry for this variant (Variation ID: 2052565). An algorithm developed to predict the effect of missense changes on protein structure and function (PolyPhen-2) suggests that this variant is likely to be tolerated. In summary, the available evidence is currently insufficient to determine the role of this variant in disease. Therefore, it has been classified as a Variant of Uncertain Significance.

NM_003906.5(MCM3AP):c.5519C>T (p.Ala1840Val)

Genes: MCM3AP (minichromosome maintenance complex component 3 associated protein; minus strand), MCM3AP-AS1 (MCM3AP antisense RNA 1; plus strand). Cytogenetic location: 21q22.3.
Variant type: single nucleotide variant.
Coding change: c.5519C>T on transcript NM_003906.5 (MANE Select); coding-DNA position 5519, C replaced by T.
Protein change: p.Ala1840Val; replaces alanine 1840 with valine.
Molecular consequence: missense variant. On other transcripts: non-coding transcript variant (4).
Genome position (GRCh38, 1-based): chr21:46,240,925, G>A on the plus strand (C>T on the coding strand, the complement: MCM3AP is on the minus strand). VCF-style: chr21-46240925-G-A. GRCh37 (hg19) VCF-style: chr21-47660839-G-A.
Other names: short protein forms A1840V.
Identifiers: ClinVar variation 2052565 (VCV002052565.4), dbSNP rs2517296987, ClinGen allele CA410536886.